The following is an entry in ClinVar:

NM_001330588.2(TPP2):c.920G>A (p.Gly307Asp)

Gene: TPP2 (tripeptidyl peptidase 2; plus strand). Cytogenetic location: 13q33.1.
Variant type: single nucleotide variant.
Coding change: c.920G>A on transcript NM_001330588.2 (MANE Select); coding-DNA position 920, G replaced by A.
Protein change: p.Gly307Asp; replaces glycine 307 with aspartic acid.
Molecular consequence: missense variant. On other transcripts: non-coding transcript variant (1).
Genome position (GRCh38, 1-based): chr13:102,627,147, G>A. VCF-style: chr13-102627147-G-A. GRCh37 (hg19) VCF-style: chr13-103279497-G-A.
Other names: c.920G>A, p.Gly307Asp (NM_001367947.1, NM_003291.4); short protein forms G307D.
Identifiers: ClinVar variation 2045647 (VCV002045647.1), dbSNP rs2503941833, ClinGen allele CA388480365.

ClinVar aggregate classification (germline): Uncertain significance (1 of 4 stars; one submission).

Conditions:
Evans syndrome, immunodeficiency, and premature immunosenescence associated with tripeptidyl-peptidase II deficiency. Identifiers: MedGen CN231723. Disease mechanism: loss of function.

Submission:

Labcorp Genetics (formerly Invitae), Labcorp
Classification: Uncertain significance for Evans syndrome, immunodeficiency, and premature immunosenescence associated with tripeptidyl-peptidase II deficiency. Last evaluated: 2021-12-17. Review status: criteria provided, single submitter. Criteria: Invitae Variant Classification Sherloc (09022015). Collection method: clinical testing. Allele origin: germline.
Comment: This sequence change replaces glycine, which is neutral and non-polar, with aspartic acid, which is acidic and polar, at codon 307 of the TPP2 protein (p.Gly307Asp). This variant is not present in population databases (gnomAD no frequency). This variant has not been reported in the literature in individuals affected with TPP2-related conditions. Algorithms developed to predict the effect of missense changes on protein structure and function (SIFT, PolyPhen-2, Align-GVGD) all suggest that this variant is likely to be disruptive. In summary, the available evidence is currently insufficient to determine the role of this variant in disease. Therefore, it has been classified as a Variant of Uncertain Significance.